The following is an entry in ClinVar:

ClinVar aggregate classification (germline): Uncertain significance (1 of 4 stars; one submission).

Conditions:
Mevalonic aciduria (MEVA). Identifiers: Orphanet 29, MedGen C1959626, MONDO:0012481, OMIM 610377.
Porokeratosis 3, disseminated superficial actinic type (POROK3). Also called: POROKERATOSIS 3, MULTIPLE TYPES; POROKERATOSIS 3, MIBELLI TYPE; POROKERATOSIS, DISSEMINATED SUPERFICIAL ACTINIC, 1. Identifiers: MedGen C1867981, MONDO:0008293, OMIM 175900.
Hyperimmunoglobulin D with periodic fever (HIDS). Also called: HYPERIMMUNOGLOBULINEMIA D AND PERIODIC FEVER SYNDROME; Hyperimmunoglobulinemia D; Hyperimmunoglobulinemia D with periodic fever. Identifiers: Orphanet 343, MedGen C0398691, MONDO:0009849, OMIM 260920.

gnomAD v4.1: 1 of 1,614,108 alleles (0.000062%); no homozygotes.

Submission:

Labcorp Genetics (formerly Invitae), Labcorp
Classification: Uncertain significance for Mevalonic aciduria; Hyperimmunoglobulin D with periodic fever; Porokeratosis 3, disseminated superficial actinic type. Last evaluated: 2023-04-26. Review status: criteria provided, single submitter. Criteria: Invitae Variant Classification Sherloc (09022015). Collection method: clinical testing. Allele origin: germline.
Comment: In summary, the available evidence is currently insufficient to determine the role of this variant in disease. Therefore, it has been classified as a Variant of Uncertain Significance. This variant disrupts the p.Thr237 amino acid residue in MVK. Other variant(s) that disrupt this residue have been determined to be pathogenic (PMID: 16197847, 16835861, 21708801, 28814775, 31096039). This suggests that this residue is clinically significant, and that variants that disrupt this residue are likely to be disease-causing. Advanced modeling of protein sequence and biophysical properties (such as structural, functional, and spatial information, amino acid conservation, physicochemical variation, residue mobility, and thermodynamic stability) has been performed at Invitae for this missense variant, however the output from this modeling did not meet the statistical confidence thresholds required to predict the impact of this variant on MVK protein function. ClinVar contains an entry for this variant (Variation ID: 2036344). This missense change has been observed in individual(s) with clinical features of autosomal recessive MVK-related conditions (Invitae). In at least one individual the data is consistent with being in trans (on the opposite chromosome) from a pathogenic variant. This variant is not present in population databases (gnomAD no frequency). This sequence change replaces threonine, which is neutral and polar, with alanine, which is neutral and non-polar, at codon 237 of the MVK protein (p.Thr237Ala).

Literature cited by the submitters: PubMed 16197847; PubMed 16835861; PubMed 21708801; PubMed 28814775; PubMed 31096039.

NM_000431.4(MVK):c.709A>G (p.Thr237Ala)

Gene: MVK (mevalonate kinase; plus strand). Cytogenetic location: 12q24.11.
Variant type: single nucleotide variant.
Coding change: c.709A>G on transcript NM_000431.4 (MANE Select); coding-DNA position 709, A replaced by G.
Protein change: p.Thr237Ala; replaces threonine 237 with alanine.
Molecular consequence: missense variant.
Genome position (GRCh38, 1-based): chr12:109,590,802, A>G. VCF-style: chr12-109590802-A-G. GRCh37 (hg19) VCF-style: chr12-110028607-A-G.
Other names: c.709A>G, p.Thr237Ala (NM_001114185.3, NM_001414511.1, NM_001414513.1); c.553A>G, p.Thr185Ala (NM_001301182.2, NM_001414514.1); c.784A>G, p.Thr262Ala (NM_001414512.1); c.127A>G, p.Thr43Ala (NM_001414515.1); short protein forms T43A, T185A, T237A, T262A.
Identifiers: ClinVar variation 2036344 (VCV002036344.4), dbSNP rs104895366, ClinGen allele CA386649030.